The following is an entry in ClinVar:

ClinVar aggregate classification (germline): Likely pathogenic (1 of 4 stars; one submission).

Conditions:
Ullrich congenital muscular dystrophy 1A. Also called: Ullrich congenital muscular dystrophy 1; Intermediate COL6-RD. Identifiers: Orphanet 75840, MedGen C0410179, MONDO:0009681, OMIM 254090.

Submission:

Broad Center for Mendelian Genomics, Broad Institute of MIT and Harvard
Classification: Likely pathogenic for Ullrich congenital muscular dystrophy 1A. Last evaluated: 2023-12-21. Review status: criteria provided, single submitter. Criteria: ACMG Guidelines, 2015. Collection method: curation. Allele origin: germline. Inheritance: Autosomal dominant inheritance. Study: GREGoR Consortium.
Comment: This variant is assumed de novo, but maternity and paternity have not been confirmed. The p.Gly2080Cys variant in COL6A3 has been reported in at least 2 individuals with Ullrich congenital muscular dystrophy ( PMID: 24271325, PMID: 29419890, PMID: 25204870, Neurology Apr 2019, 92 (15 Supplement) P5.4-011), and was absent from large population studies. Computational prediction tools and conservation analyses suggest that this variant may impact the protein, though this information is not predictive enough to determine pathogenicity. Three additional pathogenic or likely pathogenic variants, resulting in a different amino acid change at the same position (p.Gly2080Asp, p.Gly2080Arg, and p.Gly2080Ser) have been reported in association with disease in ClinVar, supporting that a change at this position may not be tolerated (Variation IDs: 194744, 520883, 502583). In summary, although additional studies are required to fully establish its clinical significance, this variant is likely pathogenic for autosomal dominant Ullrich congenital muscular dystrophy 1. ACMG/AMP Criteria applied: PM5_strong, PP3, PM2_supporting, PS4_supporting (Richards 2015).

NM_004369.4(COL6A3):c.6238G>T (p.Gly2080Cys)

Gene: COL6A3 (collagen type VI alpha 3 chain; minus strand). Cytogenetic location: 2q37.3.
Variant type: single nucleotide variant.
Coding change: c.6238G>T on transcript NM_004369.4 (MANE Select); coding-DNA position 6238, G replaced by T.
Protein change: p.Gly2080Cys; replaces glycine 2080 with cysteine.
Molecular consequence: missense variant.
Genome position (GRCh38, 1-based): chr2:237,360,132, C>A on the plus strand (G>T on the coding strand, the complement: COL6A3 is on the minus strand). VCF-style: chr2-237360132-C-A. GRCh37 (hg19) VCF-style: chr2-238268775-C-A.
Other names: NM_057167.4:c.5620G>T; c.4417G>T, p.Gly1473Cys (NM_057166.5); c.5620G>T, p.Gly1874Cys (NM_057167.4); short protein forms G1473C, G1874C, G2080C.
Identifiers: ClinVar variation 2674601 (VCV002674601.1), dbSNP rs1553553625, ClinGen allele CA351216633.